The following is an entry in ClinVar:

NM_004667.6(HERC2):c.2743G>A (p.Ala915Thr)

Gene: HERC2 (HECT and RLD domain containing E3 ubiquitin protein ligase 2; minus strand). Cytogenetic location: 15q13.1.
Variant type: single nucleotide variant.
Coding change: c.2743G>A on transcript NM_004667.6 (MANE Select); coding-DNA position 2743, G replaced by A.
Protein change: p.Ala915Thr; replaces alanine 915 with threonine.
Molecular consequence: missense variant.
Genome position (GRCh38, 1-based): chr15:28,256,092, C>T on the plus strand (G>A on the coding strand, the complement: HERC2 is on the minus strand). VCF-style: chr15-28256092-C-T. GRCh37 (hg19) VCF-style: chr15-28501238-C-T.
Other names: short protein forms A915T.
Identifiers: ClinVar variation 1315870 (VCV001315870.3), dbSNP rs550587588, ClinGen allele CA7443119.

ClinVar aggregate classification (germline): Uncertain significance. Review status: criteria provided, multiple submitters, no conflicts (2 of 4 stars). 2 submissions from 2 submitters: Uncertain significance (2). Last evaluated 2019-11-08.

Allele frequency attached by ClinVar (database versions not stated): ExAC 0.00001; 1000 Genomes Project 0.00020; 1000 Genomes Project 30x 0.00031.
gnomAD v4.1: 17 of 1,603,528 alleles (0.0011%); highest among the groups gnomAD compares: East Asian, 0.0067%; 1 homozygote.

Submissions (2):

GeneDx
Classification: Uncertain significance. Last evaluated: 2019-11-08. Review status: criteria provided, single submitter. Criteria: GeneDx Variant Classification Process June 2021. Collection method: clinical testing. Allele origin: germline. Affected: yes.
Comment: In silico analysis, which includes protein predictors and evolutionary conservation, supports that this variant does not alter protein structure/function; Has not been previously published as pathogenic or benign to our knowledge

Breakthrough Genomics
Classification: Uncertain significance. Review status: criteria provided, single submitter. Criteria: ACMG Guidelines, 2015. Collection method: not provided. Allele origin: germline. Inheritance: Autosomal recessive inheritance. Affected: yes.